The following is an entry in ClinVar:

NM_001244008.2(KIF1A):c.3046G>A (p.Asp1016Asn)

Gene: KIF1A (kinesin family member 1A; minus strand). Cytogenetic location: 2q37.3.
Variant type: single nucleotide variant.
Coding change: c.3046G>A on transcript NM_001244008.2 (MANE Select); coding-DNA position 3046, G replaced by A.
Protein change: p.Asp1016Asn; replaces aspartic acid 1016 with asparagine.
Molecular consequence: missense variant.
Genome position (GRCh38, 1-based): chr2:240,747,253, C>T on the plus strand (G>A on the coding strand, the complement: KIF1A is on the minus strand). VCF-style: chr2-240747253-C-T. GRCh37 (hg19) VCF-style: chr2-241686670-C-T.
Other names: c.2743G>A (NM_004321.6); c.2743G>A, p.Asp915Asn (NM_001379649.1, NM_001379650.1, NM_001379651.1 and 7 more transcripts); c.2818G>A, p.Asp940Asn (NM_001379637.1, NM_001379648.1); c.2770G>A, p.Asp924Asn (NM_001379638.1, NM_001320705.2, NM_001330289.2); c.3019G>A, p.Asp1007Asn (NM_001379642.1, NM_001379645.1, NM_001379633.1); c.2845G>A, p.Asp949Asn (NM_001379646.1, NM_001379634.1, NM_001379635.1 and 1 more transcripts); c.3121G>A, p.Asp1041Asn (NM_001379631.1); c.2995G>A, p.Asp999Asn (NM_001379632.1); short protein forms D1007N, D1016N, D1041N, D915N, D924N, D940N, D949N, D999N.
Identifiers: ClinVar variation 3242027 (VCV003242027.2), dbSNP rs2537326715.

ClinVar aggregate classification (germline): Uncertain significance. Review status: criteria provided, multiple submitters, no conflicts (2 of 4 stars). 2 submissions from 2 submitters: Uncertain significance (2). Last evaluated 2024-03-25.

Conditions:
Intellectual disability, autosomal dominant 9 (NESCAVS). Also called: NESCAV SYNDROME; KIF1A-Related Neurodevelopmental Disorder. Identifiers: Orphanet 662367, MedGen C5393830, MONDO:0013656, OMIM 614255.

Submissions (2):

GeneDx
Classification: Uncertain significance. Last evaluated: 2024-03-25. Review status: criteria provided, single submitter. Criteria: GeneDx Variant Classification Process June 2021. Collection method: clinical testing. Allele origin: germline. Affected: yes.
Comment: Not observed at significant frequency in large population cohorts (gnomAD); In silico analysis supports that this missense variant has a deleterious effect on protein structure/function; Has not been previously published as pathogenic or benign to our knowledge

Neuberg Centre For Genomic Medicine, NCGM
Classification: Uncertain significance for Intellectual disability, autosomal dominant 9. Review status: criteria provided, single submitter. Criteria: ACMG Guidelines, 2015. Collection method: clinical testing. Allele origin: germline. Inheritance: Autosomal dominant inheritance. Affected: yes.
Comment: The observed missense c.3046G>A(p.Asp1016Asn) variant in KIF1A gene has not been reported previously as a pathogenic variant nor a benign variant, to our knowlegde. The p.Asp1016Asn variant is absent in gnomAD Exomes. This variant has not been submitted to the ClinVar database. The amino acid change p.Asp1016Asn in KIF1A is predicted as conserved by GERP++ and PhyloP across 100 vertebrates. The amino acid Asp at position 1016 is changed to a Asn changing protein sequence and it might alter its composition and physico-chemical properties. For these reasons, this variant has been classified as a Variant of Uncertain Significance (VUS).